The following is an entry in ClinVar:

NM_001903.5(CTNNA1):c.794A>G (p.Asp265Gly)

Gene: CTNNA1 (catenin alpha 1; plus strand). Cytogenetic location: 5q31.2.
Variant type: single nucleotide variant.
Coding change: c.794A>G on transcript NM_001903.5 (MANE Select); coding-DNA position 794, A replaced by G.
Protein change: p.Asp265Gly; replaces aspartic acid 265 with glycine.
Molecular consequence: missense variant.
Genome position (GRCh38, 1-based): chr5:138,824,735, A>G. VCF-style: chr5-138824735-A-G. GRCh37 (hg19) VCF-style: chr5-138160424-A-G.
Other names: c.794A>G, p.Asp265Gly (NM_001290307.3, NM_001323982.2, NM_001323983.1 and 3 more transcripts); c.485A>G, p.Asp162Gly (NM_001290309.3); c.425A>G, p.Asp142Gly (NM_001290310.3); short protein forms D265G, D142G, D162G.
Identifiers: ClinVar variation 1462520 (VCV001462520.8), dbSNP rs2149776482, ClinGen allele CA361130056.

ClinVar aggregate classification (germline): Uncertain significance (1 of 4 stars; one submission).

Submission:

Labcorp Genetics (formerly Invitae), Labcorp
Classification: Uncertain significance. Last evaluated: 2022-06-20. Review status: criteria provided, single submitter. Criteria: Invitae Variant Classification Sherloc (09022015). Collection method: clinical testing. Allele origin: germline.
Comment: In summary, the available evidence is currently insufficient to determine the role of this variant in disease. Therefore, it has been classified as a Variant of Uncertain Significance. Algorithms developed to predict the effect of missense changes on protein structure and function are either unavailable or do not agree on the potential impact of this missense change (SIFT: "Deleterious"; PolyPhen-2: "Benign"; Align-GVGD: "Class C0"). This variant has not been reported in the literature in individuals affected with CTNNA1-related conditions. This variant is not present in population databases (gnomAD no frequency). This sequence change replaces aspartic acid, which is acidic and polar, with glycine, which is neutral and non-polar, at codon 265 of the CTNNA1 protein (p.Asp265Gly).